The following is an entry in ClinVar:

ClinVar aggregate classification (germline): Uncertain significance (1 of 4 stars; one submission).

Submission:

Labcorp Genetics (formerly Invitae), Labcorp
Classification: Uncertain significance. Last evaluated: 2020-01-02. Review status: criteria provided, single submitter. Criteria: Invitae Variant Classification Sherloc (09022015). Collection method: clinical testing. Allele origin: germline.
Comment: This variant is an out-of-frame deletion of the genomic region encompassing exons 17-26 of the CACNA2D4 gene. This is expected to create a premature translational stop signal and result in an absent or disrupted protein product. Deletion of exons 17-26 has been observed to be homozygous in Ashkenazi Jewish individuals affected with retinal dysfunction; however, this deletion also appears to be present at high frequency in healthy Ashkenazi Jewish populations (PMID: 26560832, 28726569). The current clinical and genetic evidence is not sufficient to establish whether loss-of-function variants in CACNA2D4 cause disease. In summary, the available evidence is currently insufficient to determine the role of this variant in disease. Therefore, it has been classified as a Variant of Uncertain Significance.

Literature cited by the submitters: PubMed 28726569; PubMed 26560832.

NC_000012.12:g.(?_1840739)_(1875337_?)del

Gene: CACNA2D4 (calcium voltage-gated channel auxiliary subunit alpha2delta 4; minus strand). Cytogenetic location: 12p13.33.
Variant type: Deletion.
Identifiers: ClinVar variation 830449 (VCV000830449.2).